The following is an entry in ClinVar:

NM_004646.4(NPHS1):c.1769dup (p.Ala591fs)

Gene: NPHS1 (NPHS1 adhesion molecule, nephrin; minus strand). Cytogenetic location: 19q13.12.
Variant type: Duplication.
Coding change: c.1769dup on transcript NM_004646.4 (MANE Select); coding-DNA position 1769, one base duplicated (T; older notation c.1769dupT).
Protein change: p.Ala591fs; shifts the reading frame from alanine 591.
Molecular consequence: frameshift variant.
Genome position (GRCh38, 1-based): chr19:35,845,529, A duplicated on the plus strand (T on the coding strand, the reverse complement: NPHS1 is on the minus strand). VCF-style (leftmost placement, unchanged base first): chr19-35845528-C-CA. GRCh37 (hg19) VCF-style: chr19-36336430-C-CA.
Other names: short protein forms A591fs.
Identifiers: ClinVar variation 5011916 (VCV005011916.1).
Genomic context (GRCh38, chr19:35,845,528, plus strand): 5'-CAGAAGGACGCTCCTGGCGGCGGCGGAGCCTTTGAATGGGGCTCTCCGGGGTGGGGCGGC[C>CA]ACGCCCTCCAGCCTGTGGAACCGGGGTCAAGCCAGGGCTGCGAGCGGAGCCAGAGGCTGG-3'

ClinVar aggregate classification (germline): Pathogenic (1 of 4 stars; one submission).

Conditions:
Finnish congenital nephrotic syndrome (NPHS1). Also called: NEPHROTIC SYNDROME, TYPE 1. Identifiers: Orphanet 839, MedGen C0403399, MONDO:0009732, OMIM 256300.

Submission:

Myriad Genetics, Inc.
Classification: Pathogenic for Finnish congenital nephrotic syndrome. Last evaluated: 2023-09-27. Review status: criteria provided, single submitter. Criteria: Myriad Autosomal Dominant, Autosomal Recessive and X-Linked Classification Criteria (2023). Collection method: clinical testing. Allele origin: unknown.
Comment: NM_004646.3(NPHS1):c.1769dupT(A591Gfs*83) is expected to be pathogenic in the context of nephrotic syndrome, NPHS1-related. This variant is predicted to lead to an abnormal or absent protein product due to the creation of a premature termination codon in NPHS1, a gene where loss-of-function variants are known to be pathogenic. Please note: this variant was assessed in the context of healthy population screening.